The following is an entry in ClinVar:

NM_000051.4(ATM):c.2138A>C (p.Glu713Ala)

Gene: ATM (ATM serine/threonine kinase; plus strand). Cytogenetic location: 11q22.3.
Variant type: single nucleotide variant.
Coding change: c.2138A>C on transcript NM_000051.4 (MANE Select); coding-DNA position 2138, A replaced by C.
Protein change: p.Glu713Ala; replaces glutamic acid 713 with alanine.
Molecular consequence: missense variant.
Genome position (GRCh38, 1-based): chr11:108,256,228, A>C. VCF-style: chr11-108256228-A-C. GRCh37 (hg19) VCF-style: chr11-108126955-A-C.
Other names: c.2138A>C, p.Glu713Ala (NM_001351834.2); short protein forms E713A.
Identifiers: ClinVar variation 629792 (VCV000629792.5), dbSNP rs1565394523, ClinGen allele CA382538682.
Genomic context (GRCh38, chr11:108,256,228, plus strand): 5'-AAATTATTTATGAAATATATATATTTTTATTTGTGGTTTACTTTAAGATTACAAATTCAG[A>C]AACTCTTGTCCGGTGTTCACGTCTTTTGGTGGGTGTCCTTGGCTGCTACTGTTACATGGG-3'
Protein context (NP_000042.3, residues 703-723): NNYSSEITNS[Glu713Ala]TLVRCSRLLV

ClinVar aggregate classification (germline): Uncertain significance (1 of 4 stars; one submission).

Conditions:
Hereditary cancer-predisposing syndrome. Also called: Neoplastic Syndromes, Hereditary; Tumor predisposition; Hereditary neoplastic syndrome; Hereditary Cancer Syndrome. Identifiers: Orphanet 140162, MedGen C0027672, MeSH D009386, MONDO:0015356.

Submission:

Color Diagnostics, LLC DBA Color Health
Classification: Uncertain significance for Hereditary cancer-predisposing syndrome. Last evaluated: 2023-12-04. Review status: criteria provided, single submitter. Criteria: ACMG Guidelines, 2015. Collection method: clinical testing. Allele origin: germline.
Comment: This missense variant replaces glutamic acid with alanine at codon 713 of the ATM protein. Computational prediction suggests that this variant may not impact protein structure and function (internally defined REVEL score threshold <= 0.5, PMID: 27666373). To our knowledge, functional studies have not been reported for this variant. This variant has not been reported in individuals affected with ATM-related disorders in the literature. This variant has not been identified in the general population by the Genome Aggregation Database (gnomAD). The available evidence is insufficient to determine the role of this variant in disease conclusively. Therefore, this variant is classified as a Variant of Uncertain Significance.